The following is an entry in ClinVar:

ClinVar aggregate classification (germline): Uncertain significance (1 of 4 stars; one submission).

Conditions:
GM1 gangliosidosis type 3. Also called: GM1-GANGLIOSIDOSIS, TYPE III; GANGLIOSIDOSIS, GENERALIZED GM1, ADULT TYPE; GANGLIOSIDOSIS, GENERALIZED GM1, CHRONIC TYPE; GANGLIOSIDOSIS, GENERALIZED GM1, TYPE III; Gangliosidosis, Generalized GM1, Type 3; Beta-galactosidase deficiency. Identifiers: Orphanet 79257, MedGen C0268273, MONDO:0009262, OMIM 230650.

gnomAD v4.1: 1 of 1,613,890 alleles (0.000062%); no homozygotes.

Submission:

Neuberg Centre For Genomic Medicine, NCGM
Classification: Uncertain significance for GM1 gangliosidosis type 3. Last evaluated: 2023-05-20. Review status: criteria provided, single submitter. Criteria: ACMG Guidelines, 2015. Collection method: clinical testing. Allele origin: germline. Inheritance: Autosomal recessive inheritance. Affected: yes.
Comment: The missense c.1022G>T (p.Gly341Val) variant in the GLB1 gene has previously been reported in compound heterozygous in one patient with GM-III gangliosidosis (Arora et al., 2023). This variant is absent in the gnomAD Exomes. The amino acid Glycine at position 341 is changed to a Valine changing protein sequence and it might alter its composition and physico-chemical properties. Multiple lines of computational evidence (Polyphen - Probably damaging, SIFT – Damaging and MutationTaster - Disease causing) predict a damaging effect on protein structure and function for this variant. The amino acid Glycine in GLB1 is predicted as conserved by GERP++ and PhyloP across 100 vertebrates. Further studies are required to prove the pathogenicity of the variant. For these reasons, this variant has been classified as Uncertain Significance.

NM_000404.4(GLB1):c.1022G>T (p.Gly341Val)

Gene: GLB1 (galactosidase beta 1; minus strand). Cytogenetic location: 3p22.3.
Variant type: single nucleotide variant.
Coding change: c.1022G>T on transcript NM_000404.4 (MANE Select); coding-DNA position 1022, G replaced by T.
Protein change: p.Gly341Val; replaces glycine 341 with valine.
Molecular consequence: missense variant.
Genome position (GRCh38, 1-based): chr3:33,046,166, C>A on the plus strand (G>T on the coding strand, the complement: GLB1 is on the minus strand). VCF-style: chr3-33046166-C-A. GRCh37 (hg19) VCF-style: chr3-33087658-C-A.
Other names: c.932G>T, p.Gly311Val (NM_001079811.3); c.629G>T, p.Gly210Val (NM_001135602.3); c.1166G>T, p.Gly389Val (NM_001317040.2); c.1022G>T, p.Gly341Val (NM_001393580.1); short protein forms G210V, G311V, G341V, G389V.
Identifiers: ClinVar variation 3367000 (VCV003367000.1).